The following is an entry in ClinVar:

NM_003239.5(TGFB3):c.934G>A (p.Glu312Lys)

Gene: TGFB3 (transforming growth factor beta 3; minus strand). Cytogenetic location: 14q24.3.
Variant type: single nucleotide variant.
Coding change: c.934G>A on transcript NM_003239.5 (MANE Select); coding-DNA position 934, G replaced by A.
Protein change: p.Glu312Lys; replaces glutamic acid 312 with lysine.
Molecular consequence: missense variant.
Genome position (GRCh38, 1-based): chr14:75,961,069, C>T on the plus strand (G>A on the coding strand, the complement: TGFB3 is on the minus strand). VCF-style: chr14-75961069-C-T. GRCh37 (hg19) VCF-style: chr14-76427412-C-T.
Other names: c.934G>A, p.Glu312Lys (NM_001329939.2); short protein forms E312K.
Identifiers: ClinVar variation 2720514 (VCV002720514.3), dbSNP rs2504096363, ClinGen allele CA390468094.
Genomic context (GRCh38, chr14:75,961,069, plus strand): 5'-ACTTCCAGCCCAGATCCTGTCGGAAGTCAATGTAGAGGGGGCGCACACAGCAGTTCTCCT[C>T]CAAGTTGCTACAACAAAAAACATTTATAGAAAATCAACTTAAAACCACCAATAAAAGAAA-3'
Protein context (NP_003230.1, residues 302-322): LDTNYCFRNL[Glu312Lys]ENCCVRPLYI

ClinVar aggregate classification (germline): Uncertain significance (1 of 4 stars; one submission).

Conditions:
Rienhoff syndrome. Also called: LOEYS-DIETZ SYNDROME 5. Identifiers: MedGen C3810012, MONDO:0014262, OMIM 615582.

Submission:

Labcorp Genetics (formerly Invitae), Labcorp
Classification: Uncertain significance for Rienhoff syndrome. Last evaluated: 2023-06-29. Review status: criteria provided, single submitter. Criteria: Invitae Variant Classification Sherloc (09022015). Collection method: clinical testing. Allele origin: germline.
Comment: In summary, the available evidence is currently insufficient to determine the role of this variant in disease. Therefore, it has been classified as a Variant of Uncertain Significance. Advanced modeling of protein sequence and biophysical properties (such as structural, functional, and spatial information, amino acid conservation, physicochemical variation, residue mobility, and thermodynamic stability) performed at Invitae indicates that this missense variant is not expected to disrupt TGFB3 protein function. This variant has not been reported in the literature in individuals affected with TGFB3-related conditions. This variant is not present in population databases (gnomAD no frequency). This sequence change replaces glutamic acid, which is acidic and polar, with lysine, which is basic and polar, at codon 312 of the TGFB3 protein (p.Glu312Lys).